The following is an entry in ClinVar:

NM_032578.4(MYPN):c.3285+319C>T

Gene: MYPN (myopalladin; plus strand). Cytogenetic location: 10q21.3.
Variant type: single nucleotide variant.
Coding change: c.3285+319C>T on transcript NM_032578.4 (MANE Select); 319 bases into the intron after coding-DNA position 3285, C replaced by T.
Molecular consequence: intron variant.
Genome position (GRCh38, 1-based): chr10:68,197,797, C>T. VCF-style: chr10-68197797-C-T. GRCh37 (hg19) VCF-style: chr10-69957554-C-T.
Other names: c.3285+319C>T (NM_001256267.2); c.2403+319C>T (NM_001256268.2).
Identifiers: ClinVar variation 668995 (VCV000668995.1), dbSNP rs7095774, ClinGen allele CA13322368.

ClinVar aggregate classification (germline): Benign (1 of 4 stars; one submission).

Allele frequency attached by ClinVar (database versions not stated): 1000 Genomes Project 30x 0.49469; 1000 Genomes Project 0.49541; TOPMed 0.55789; gnomAD 0.57897 and 0.57912.
gnomAD v4.1: 88,058 of 151,840 alleles (58%); highest among the groups gnomAD compares: Non-Finnish European, 69%; 27,520 homozygotes.

Submission:

GeneDx
Classification: Benign. Last evaluated: 2018-06-19. Review status: criteria provided, single submitter. Criteria: GeneDx Variant Classification (06012015). Collection method: clinical testing. Allele origin: germline. Affected: yes.
Comment: This variant is considered likely benign or benign based on one or more of the following criteria: it is a conservative change, it occurs at a poorly conserved position in the protein, it is predicted to be benign by multiple in silico algorithms, and/or has population frequency not consistent with disease.